The following is an entry in ClinVar:

NM_199420.4(POLQ):c.7021C>T (p.His2341Tyr)

Gene: POLQ (DNA polymerase theta; minus strand). Cytogenetic location: 3q13.33.
Variant type: single nucleotide variant.
Coding change: c.7021C>T on transcript NM_199420.4 (MANE Select); coding-DNA position 7021, C replaced by T.
Protein change: p.His2341Tyr; replaces histidine 2341 with tyrosine.
Molecular consequence: missense variant.
Genome position (GRCh38, 1-based): chr3:121,460,181, G>A on the plus strand (C>T on the coding strand, the complement: POLQ is on the minus strand). VCF-style: chr3-121460181-G-A. GRCh37 (hg19) VCF-style: chr3-121179028-G-A.
Other names: short protein forms H2341Y.
Identifiers: ClinVar variation 1756728 (VCV001756728.3), dbSNP rs769839271, ClinGen allele CA2562289.
Genomic context (GRCh38, chr3:121,460,181, plus strand): 5'-TCCTGAAAACATCAGCTCCAGTGTTTAACACTTGAATGAGACGACGATCATGGGATAAAT[G>A]AGCCAAGATCCTCAGTTCAAGCTGAGAGTAGTCAGCAGCCAGTATTGAACCACCTGAAGT-3'
Protein context (NP_955452.3, residues 2331-2351): YSQLELRILA[His2341Tyr]LSHDRRLIQV

ClinVar aggregate classification (germline): Uncertain significance (1 of 4 stars; one submission).

Allele frequency attached by ClinVar (database versions not stated): gnomAD exomes below 0.00001; ExAC 0.00001; gnomAD 0.00001.
gnomAD v4.1: 3 of 1,613,244 alleles (0.00019%); highest among the groups gnomAD compares: Non-Finnish European, 0.00017%; no homozygotes.

Submission:

Ambry Genetics
Classification: Uncertain significance. Last evaluated: 2024-09-08. Review status: criteria provided, single submitter. Criteria: Ambry Variant Classification Scheme 2023. Collection method: clinical testing. Allele origin: germline.
Comment: The p.H2341Y variant (also known as c.7021C>T), located in coding exon 25 of the POLQ gene, results from a C to T substitution at nucleotide position 7021. The histidine at codon 2341 is replaced by tyrosine, an amino acid with similar properties. This amino acid position is conserved. In addition, this alteration is predicted to be deleterious by in silico analysis. Since supporting evidence is limited at this time, the clinical significance of this alteration remains unclear.